The following is an entry in ClinVar:

ClinVar aggregate classification (germline): Uncertain significance (1 of 4 stars; one submission).

Conditions:
Congenital adrenal hypoplasia, X-linked (AHC). Also called: Isolated X-Linked Adrenal Hypoplasia Congenita; X-linked AHC; X-Linked Adrenal Hypoplasia Congenita; ADRENAL HYPOPLASIA, CONGENITAL, WITH HYPOGONADOTROPIC HYPOGONADISM. Identifiers: Orphanet 95702, MedGen C0342482, MONDO:0010264, OMIM 300200. Disease mechanism: loss of function.
46,XY sex reversal 2. Also called: NR0B1-Related 46,XY CGD; NR0B1-related 46,XY complete gonadal dysgenesis; Dosage-sensitive sex reversal; 46,XY SEX REVERSAL, DAX1-RELATED; 46XY sex reversal 2, dosage-sensitive. Identifiers: MedGen C1848296, MONDO:0010226, OMIM 300018.

Submission:

Labcorp Genetics (formerly Invitae), Labcorp
Classification: Uncertain significance for Congenital adrenal hypoplasia, X-linked; 46,XY sex reversal 2. Last evaluated: 2025-06-12. Review status: criteria provided, single submitter. Criteria: Invitae Variant Classification Sherloc (09022015). Collection method: clinical testing. Allele origin: germline.
Comment: This sequence change replaces cysteine, which is neutral and slightly polar, with phenylalanine, which is neutral and non-polar, at codon 368 of the NR0B1 protein (p.Cys368Phe). This variant is not present in population databases (gnomAD no frequency). This missense change has been observed in individual(s) with congenital adrenal hypoplasia (PMID: 20573681). ClinVar contains an entry for this variant (Variation ID: 2925662). Invitae Evidence Modeling of protein sequence and biophysical properties (such as structural, functional, and spatial information, amino acid conservation, physicochemical variation, residue mobility, and thermodynamic stability) indicates that this missense variant is expected to disrupt NR0B1 protein function with a positive predictive value of 80%. Experimental studies have shown that this missense change affects NR0B1 function (PMID: 20573681). In summary, the available evidence is currently insufficient to determine the role of this variant in disease. Therefore, it has been classified as a Variant of Uncertain Significance.

Literature cited by the submitters: PubMed 20573681.

NM_000475.5(NR0B1):c.1103G>T (p.Cys368Phe)

Gene: NR0B1 (nuclear receptor subfamily 0 group B member 1; minus strand). Cytogenetic location: Xp21.2.
Variant type: single nucleotide variant.
Coding change: c.1103G>T on transcript NM_000475.5 (MANE Select); coding-DNA position 1103, G replaced by T.
Protein change: p.Cys368Phe; replaces cysteine 368 with phenylalanine.
Molecular consequence: missense variant.
Genome position (GRCh38, 1-based): chrX:30,308,261, C>A on the plus strand (G>T on the coding strand, the complement: NR0B1 is on the minus strand). VCF-style: chrX-30308261-C-A. GRCh37 (hg19) VCF-style: chrX-30326378-C-A.
Other names: short protein forms C368F.
Identifiers: ClinVar variation 2925662 (VCV002925662.3), dbSNP rs2519050847, ClinGen allele CA412546494.